The following is an entry in ClinVar:

ClinVar aggregate classification (germline): Benign/Likely benign. Review status: criteria provided, multiple submitters, no conflicts (2 of 4 stars). 6 submissions from 6 submitters: Benign (4); Likely benign (2). Last evaluated 2025-12-01.

Allele frequency attached by ClinVar (database versions not stated): gnomAD exomes 0.00026 and 0.00087; gnomAD 0.00044 and 0.00050; TOPMed 0.00075; ExAC 0.00082; 1000 Genomes Project 30x 0.00219; 1000 Genomes Project 0.00220.
gnomAD v4.1: 627 of 1,613,390 alleles (0.039%); highest among the groups gnomAD compares: East Asian, 0.78%; 10 homozygotes.

Submissions (6):

Labcorp Genetics (formerly Invitae), Labcorp
Classification: Benign. Last evaluated: 2025-12-01. Review status: criteria provided, single submitter. Criteria: Invitae Variant Classification Sherloc (09022015). Collection method: clinical testing. Allele origin: germline.

Blueprint Genetics
Classification: Likely benign. Last evaluated: 2024-11-07. Review status: criteria provided, single submitter. Criteria: ACMG Guidelines, 2015. Collection method: clinical testing. Allele origin: germline.

GeneDx
Classification: Benign. Last evaluated: 2019-03-20. Review status: criteria provided, single submitter. Criteria: GeneDx Variant Classification Process June 2021. Collection method: clinical testing. Allele origin: germline. Affected: yes.

Eurofins Ntd Llc (ga)
Classification: Benign. Last evaluated: 2016-02-04. Review status: criteria provided, single submitter. Criteria: EGL Classification Definitions 2015. Collection method: clinical testing. Allele origin: germline. Observed: 1 variant allele, 1 heterozygote.

Laboratory for Molecular Medicine, Mass General Brigham Personalized Medicine
Classification: Likely benign. Last evaluated: 2013-06-13. Review status: criteria provided, single submitter. Criteria: LMM Criteria. Collection method: clinical testing. Allele origin: germline. Observed: 1 variant allele.
Comment: Asp524Asp in exon 15 of SLC26A5: This variant is not expected to have clinical s ignificance because it does not alter an amino acid residue, is not located with in the splice consensus sequence, and has been identified in 1.5% (3/200) of Chi nese chromosomes by the 1000 Genomes Project (dbSNP rs191358470).

PreventionGenetics, part of Exact Sciences
Classification: Benign. Review status: criteria provided, single submitter. Criteria: ACMG Guidelines, 2015. Collection method: clinical testing. Allele origin: germline.

NM_198999.3(SLC26A5):c.1572C>T (p.Asp524=)

Gene: SLC26A5 (solute carrier family 26 member 5; minus strand). Cytogenetic location: 7q22.1.
Variant type: single nucleotide variant.
Coding change: c.1572C>T on transcript NM_198999.3 (MANE Select); coding-DNA position 1572, C replaced by T.
Protein change: p.Asp524=; no amino-acid change (aspartic acid 524 retained).
Molecular consequence: synonymous variant. On other transcripts: non-coding transcript variant (1), intron variant (2).
Genome position (GRCh38, 1-based): chr7:103,380,492, G>A on the plus strand (C>T on the coding strand, the complement: SLC26A5 is on the minus strand). VCF-style: chr7-103380492-G-A. GRCh37 (hg19) VCF-style: chr7-103020939-G-A.
Other names: c.1476C>T, p.Asp492= (NM_001167962.2, NM_001321787.2); c.1572C>T, p.Asp524= (NM_206883.3); c.971+17440C>T (NM_206885.3); c.1514+8516C>T (NM_206884.3).
Identifiers: ClinVar variation 179063 (VCV000179063.22), dbSNP rs191358470, ClinGen allele CA183656.